The following is an entry in ClinVar:

ClinVar aggregate classification (germline): Likely benign. Review status: criteria provided, multiple submitters, no conflicts (2 of 4 stars). 2 submissions from 2 submitters: Likely benign (2). Last evaluated 2025-06-01.

Allele frequency attached by ClinVar (database versions not stated): gnomAD exomes 0.00003 and 0.00007; ExAC 0.00004; gnomAD 0.00006; ESP Exome Variant Server 0.00008; TOPMed 0.00009.
gnomAD v4.1: 55 of 1,613,170 alleles (0.0034%); highest among the groups gnomAD compares: South Asian, 0.038%; no homozygotes.

Submissions (2):

CeGaT Center for Human Genetics Tuebingen
Classification: Likely benign. Last evaluated: 2025-06-01. Review status: criteria provided, single submitter. Criteria: CeGaT Center For Human Genetics Tuebingen Variant Classification Criteria Version 2. Collection method: clinical testing. Allele origin: germline. Affected: yes. Observed: 1 variant allele.
Comment: ATG7: BP4, BP7

Labcorp Genetics (formerly Invitae), Labcorp
Classification: Likely benign. Last evaluated: 2018-02-08. Review status: criteria provided, single submitter. Criteria: Invitae Variant Classification Sherloc (09022015). Collection method: clinical testing. Allele origin: germline.

NM_001349232.2(ATG7):c.1278C>T (p.Pro426=)

Gene: ATG7 (autophagy related 7; plus strand). Cytogenetic location: 3p25.3.
Variant type: single nucleotide variant.
Coding change: c.1278C>T on transcript NM_001349232.2 (MANE Select); coding-DNA position 1278, C replaced by T.
Protein change: p.Pro426=; no amino-acid change (proline 426 retained).
Molecular consequence: synonymous variant. On other transcripts: intron variant (1).
Genome position (GRCh38, 1-based): chr3:11,348,029, C>T. VCF-style: chr3-11348029-C-T. GRCh37 (hg19) VCF-style: chr3-11389503-C-T.
Other names: c.1278C>T, p.Pro426= (NM_001136031.3, NM_001349233.2, NM_001349234.2 and 2 more transcripts); c.1161C>T, p.Pro387= (NM_001144912.2, NM_001349236.2); c.345C>T, p.Pro115= (NM_001349238.2); c.1125+5750C>T (NM_001349237.2).
Identifiers: ClinVar variation 723948 (VCV000723948.13), dbSNP rs373763483, ClinGen allele CA2256044.